The following is an entry in ClinVar:

NM_001540.5(HSPB1):c.416C>T (p.Thr139Met)

Gene: HSPB1 (heat shock protein family B (small) member 1; plus strand). Cytogenetic location: 7q11.23.
Variant type: single nucleotide variant.
Coding change: c.416C>T on transcript NM_001540.5 (MANE Select); coding-DNA position 416, C replaced by T.
Protein change: p.Thr139Met; replaces threonine 139 with methionine.
Molecular consequence: missense variant.
Genome position (GRCh38, 1-based): chr7:76,303,853, C>T. VCF-style: chr7-76303853-C-T. GRCh37 (hg19) VCF-style: chr7-75933170-C-T.
Other names: c.416C>T (LRG_248t1); short protein forms T139M.
Identifiers: ClinVar variation 421350 (VCV000421350.19), dbSNP rs1064795077, ClinGen allele CA16618562.

ClinVar aggregate classification (germline): Pathogenic/Likely pathogenic. Review status: criteria provided, multiple submitters, no conflicts (2 of 4 stars). 4 submissions from 4 submitters: Pathogenic (1); Likely pathogenic (3). Last evaluated 2025-07-18.

Conditions:
Charcot-Marie-Tooth disease axonal type 2F (CMT2F). Also called: Charcot-Marie-Tooth Neuropathy Type 2F; CHARCOT-MARIE-TOOTH DISEASE, NEURONAL, TYPE 2F. Identifiers: Orphanet 99940, MedGen C1847823, MONDO:0011687, OMIM 606595.

Submissions (4):

Labcorp Genetics (formerly Invitae), Labcorp
Classification: Pathogenic for Charcot-Marie-Tooth disease axonal type 2F. Last evaluated: 2025-07-18. Review status: criteria provided, single submitter. Criteria: Invitae Variant Classification Sherloc (09022015). Collection method: clinical testing. Allele origin: germline.
Comment: This sequence change replaces threonine, which is neutral and polar, with methionine, which is neutral and non-polar, at codon 139 of the HSPB1 protein (p.Thr139Met). This variant is not present in population databases (gnomAD no frequency). This missense change has been observed in individual(s) with clinical features of autosomal dominant Charcot-Marie-Tooth disease (PMID: 28828227). It has also been observed to segregate with disease in related individuals. ClinVar contains an entry for this variant (Variation ID: 421350). Invitae Evidence Modeling of protein sequence and biophysical properties (such as structural, functional, and spatial information, amino acid conservation, physicochemical variation, residue mobility, and thermodynamic stability) indicates that this missense variant is expected to disrupt HSPB1 protein function with a positive predictive value of 95%. Experimental studies have shown that this missense change affects HSPB1 function (PMID: 28828227). This variant disrupts the p.Thr139 amino acid residue in HSPB1. Other variant(s) that disrupt this residue have been observed in individuals with HSPB1-related conditions (PMID: 29858556), which suggests that this may be a clinically significant amino acid residue. For these reasons, this variant has been classified as Pathogenic.

ARUP Laboratories, Molecular Genetics and Genomics, ARUP Laboratories
Classification: Likely pathogenic. Last evaluated: 2021-11-19. Review status: criteria provided, single submitter. Criteria: ARUP Molecular Germline Variant Investigation Process 2021. Collection method: clinical testing. Allele origin: germline.
Comment: The HSPB1 c.416C>T; p.Thr139Met variant (rs1064795077) is reported to segregate with neuropathy in one family (Amornvit 2017). Additionally, another variant in the same codon, p.Thr139Ala, is reported in an individual with a diagnosis of distal hereditary motor neuropathy (Karakaya 2018). The p.Thr139Met variant is reported as pathogenic or likely pathogenic by several sources in the ClinVar database (Variation ID: 421350) and is absent from general population databases (Exome Variant Server, Genome Aggregation Database), indicating it is not a common polymorphism. The amino acid at this position is highly conserved, and computational analyses predict that this variant is deleterious (REVEL: 0.78). In support of this prediction, functional studies show cells expressing this variant increases cell death and increases expression of apoptotic genes (Amornvit 2017). Based on available information, this variant is considered to be likely pathogenic. References: Amornvit J et al. A novel p.T139M mutation in HSPB1 highlighting the phenotypic spectrum in a family. Brain Behav. 2017 Jul 21;7(8):e00774. PMID: 28828227. Karakaya M et al. Targeted sequencing with expanded gene profile enables high diagnostic yield in non-5q-spinal muscular atrophies. Hum Mutat. 2018 Sep;39(9):1284-1298. PMID: 29858556.

Athena Diagnostics
Classification: Likely pathogenic. Last evaluated: 2019-05-14. Review status: criteria provided, single submitter. Criteria: Athena Diagnostics Criteria. Collection method: clinical testing. Allele origin: germline.
Comment: Not found in the total gnomAD dataset, and the data is high quality (0/280452 chr). Found in at least one symptomatic patient. Predicted to have a damaging effect on the protein. Damaging to protein function(s) relevant to disease mechanism.

GeneDx
Classification: Likely pathogenic. Last evaluated: 2016-08-11. Review status: criteria provided, single submitter. Criteria: GeneDx Variant Classification (06012015). Collection method: clinical testing. Allele origin: germline. Affected: yes.
Comment: The T139M variant has not been published as a pathogenic variant, nor has it been reported as a benign variant to our knowledge. It was not observed in approximately 6,500 individuals of European and African American ancestry in the NHLBI Exome Sequencing Project, indicating it is not a common benign variant in these populations. The T139M variant is a non-conservative amino acid substitution, which is likely to impact secondary protein structure as these residues differ in polarity, charge, size and/or other properties. This substitution occurs at a position within the region of interaction with TGFB1I1 that is conserved across species. In silico analysis predicts this variant is probably damaging to the protein structure/function. Missense variants in nearby residues (S135F/Y, R136W/L, R140G, K141Q) have been reported in the Human Gene Mutation Database in association with HSPB1-related disorder (Stenson et al., 2014), supporting the functional importance of this region of the protein. The T139M variant is a strong candidate for a pathogenic variant, however the possibility it may be a rare benign variant cannot be excluded.

Literature cited by the submitters: PubMed 28828227 (cited by Labcorp Genetics (formerly Invitae), Labcorp and Athena Diagnostics); PubMed 29858556 (cited by Labcorp Genetics (formerly Invitae), Labcorp).